The following is an entry in ClinVar:

NM_001377530.1(DMBT1):c.3196G>A (p.Glu1066Lys)

Gene: DMBT1 (deleted in malignant brain tumors 1; plus strand). Cytogenetic location: 10q26.13.
Variant type: single nucleotide variant.
Coding change: c.3196G>A on transcript NM_001377530.1 (MANE Select); coding-DNA position 3196, G replaced by A.
Protein change: p.Glu1066Lys; replaces glutamic acid 1066 with lysine.
Molecular consequence: missense variant.
Genome position (GRCh38, 1-based): chr10:122,599,013, G>A. VCF-style: chr10-122599013-G-A. GRCh37 (hg19) VCF-style: chr10-124358529-G-A.
Other names: c.3196G>A, p.Glu1066Lys (NM_001320644.2, NM_007329.3); c.1699G>A, p.Glu567Lys (NM_004406.3); c.3166G>A, p.Glu1056Lys (NM_017579.3); short protein forms E1066K, E1056K, E567K.
Identifiers: ClinVar variation 1475777 (VCV001475777.6), dbSNP rs762373579, ClinGen allele CA5727426.
Genomic context (GRCh38, chr10:122,599,013, plus strand): 5'-GCCCGGTTTGGTCAGGGCTCAGGACCCATTGTCCTGGATGATGTGCGCTGCTCAGGACAC[G>A]AGTCTTACCTGTGGAGCTGCCCCCACAATGGCTGGCTCTCCCACAACTGTGGCCATAGTG-3'
Protein context (NP_001364459.1, residues 1056-1076): VLDDVRCSGH[Glu1066Lys]SYLWSCPHNG

ClinVar aggregate classification (germline): Uncertain significance (1 of 4 stars; one submission).

Allele frequency attached by ClinVar (database versions not stated): gnomAD 0.00001; gnomAD exomes 0.00001; ExAC 0.00002.
gnomAD v4.1: 9 of 1,613,646 alleles (0.00056%); highest among the groups gnomAD compares: Middle Eastern, 0.016%; no homozygotes.

Submission:

Labcorp Genetics (formerly Invitae), Labcorp
Classification: Uncertain significance. Last evaluated: 2021-02-15. Review status: criteria provided, single submitter. Criteria: Invitae Variant Classification Sherloc (09022015). Collection method: clinical testing. Allele origin: germline.
Comment: In summary, the available evidence is currently insufficient to determine the role of this variant in disease. Therefore, it has been classified as a Variant of Uncertain Significance. Algorithms developed to predict the effect of missense changes on protein structure and function are either unavailable or do not agree on the potential impact of this missense change (SIFT: "Tolerated"; PolyPhen-2: "Not Available"; Align-GVGD: "Class C0"). This variant has not been reported in the literature in individuals with DMBT1-related conditions. This variant is present in population databases (rs762373579, ExAC 0.01%). This sequence change replaces glutamic acid with lysine at codon 1066 of the DMBT1 protein (p.Glu1066Lys). The glutamic acid residue is weakly conserved and there is a small physicochemical difference between glutamic acid and lysine.